The following is an entry in ClinVar:

ClinVar aggregate classification (germline): Conflicting classifications of pathogenicity. Review status: criteria provided, conflicting classifications (1 of 4 stars). 2 submissions from 2 submitters: Likely pathogenic (1); Uncertain significance (1). Last evaluated 2022-03-07.

Conditions:
Fanconi-Bickel syndrome (FBS). Also called: FANCONI SYNDROME WITH INTESTINAL MALABSORPTION AND GALACTOSE INTOLERANCE; HEPATIC GLYCOGENOSIS WITH AMINO ACIDURIA AND GLUCOSURIA; HEPATIC GLYCOGENOSIS WITH FANCONI NEPHROPATHY; HEPATORENAL GLYCOGENOSIS WITH RENAL FANCONI SYNDROME; Glycogen storage disease due to GLUT2 deficiency; PSEUDO-PHLORIZIN DIABETES. Identifiers: Orphanet 2088, MedGen C3495427, MONDO:0009216, OMIM 227810.

Allele frequency attached by ClinVar (database versions not stated): gnomAD exomes below 0.00001; ExAC 0.00001.

Submissions (2):

Laboratory of Cyto-molecular Genetics, Department of Anatomy, All India Institute of Medical Sciences (AIIMS), New Delhi
Classification: Likely pathogenic for Fanconi-Bickel syndrome. Last evaluated: 2022-03-07. Review status: criteria provided, single submitter. Criteria: ACMG Guidelines, 2015. Collection method: clinical testing. Allele origin: germline. Affected: yes. Observed: 3 variant alleles.
Comment: p.(Gly157Arg), missense variant

Revvity Omics, Revvity
Classification: Uncertain significance for Fanconi-Bickel syndrome. Last evaluated: 2021-06-22. Review status: criteria provided, single submitter. Criteria: ACMG Guidelines, 2015. Collection method: clinical testing. Allele origin: germline.

Literature cited by the submitters: PubMed 35738466 (cited by Laboratory of Cyto-molecular Genetics, Department of Anatomy, All India Institute of Medical Sciences (AIIMS), New Delhi).

NM_000340.2(SLC2A2):c.469G>C (p.Gly157Arg)

Gene: SLC2A2 (solute carrier family 2 member 2; minus strand). Cytogenetic location: 3q26.2.
Variant type: single nucleotide variant.
Coding change: c.469G>C on transcript NM_000340.2 (MANE Select); coding-DNA position 469, G replaced by C.
Protein change: p.Gly157Arg; replaces glycine 157 with arginine.
Molecular consequence: missense variant. On other transcripts: intron variant (1).
Genome position (GRCh38, 1-based): chr3:171,009,985, C>G on the plus strand (G>C on the coding strand, the complement: SLC2A2 is on the minus strand). VCF-style: chr3-171009985-C-G. GRCh37 (hg19) VCF-style: chr3-170727774-C-G.
Other names: c.112G>C, p.Gly38Arg (NM_001278658.2); c.-23-2722G>C (NM_001278659.2); short protein forms G157R, G38R.
Identifiers: ClinVar variation 1343084 (VCV001343084.6), dbSNP rs750836049, ClinGen allele CA2702692.
Genomic context (GRCh38, chr3:171,009,985, plus strand): 5'-GTGTGTGTGTGTGTGTGTGTGTGTGTGACTTACCACAATATAGTCCTGATATGCTTCTTC[C>G]AGCAATTATAAGTATATGAGATGGTCCCAATTTTGAAAACCCCATCAAGAGAGCTCCAAC-3'
Protein context (NP_000331.1, residues 147-167): LGPSHILIIA[Gly157Arg]RSISGLYCGL